The following is an entry in ClinVar:

ClinVar aggregate classification (germline): Pathogenic (1 of 4 stars; one submission).

Conditions:
Developmental and epileptic encephalopathy, 23 (DEE23). Also called: Epileptic encephalopathy, early infantile, 23. Identifiers: Orphanet 411986, MedGen C4014492, MONDO:0014371, OMIM 615859.

Submission:

Labcorp Genetics (formerly Invitae), Labcorp
Classification: Pathogenic for Developmental and epileptic encephalopathy, 23. Last evaluated: 2021-02-26. Review status: criteria provided, single submitter. Criteria: Invitae Variant Classification Sherloc (09022015). Collection method: clinical testing. Allele origin: germline.
Comment: This sequence change creates a premature translational stop signal (p.Arg576Valfs*8) in the DOCK7 gene. It is expected to result in an absent or disrupted protein product. Loss-of-function variants in DOCK7 are known to be pathogenic (PMID: 24814191). This variant is not present in population databases (ExAC no frequency). This variant has not been reported in the literature in individuals with DOCK7-related conditions. For these reasons, this variant has been classified as Pathogenic.

Literature cited by the submitters: PubMed 24814191.

NM_001367561.1(DOCK7):c.1725del (p.Arg576fs)

Gene: DOCK7 (dedicator of cytokinesis 7; minus strand). Cytogenetic location: 1p31.3.
Variant type: Deletion.
Coding change: c.1725del on transcript NM_001367561.1 (MANE Select); coding-DNA position 1725, one base deleted (T; older notation c.1725delT).
Protein change: p.Arg576fs; shifts the reading frame from arginine 576.
Molecular consequence: frameshift variant.
Genome position (GRCh38, 1-based): chr1:62,586,582, A deleted on the plus strand (T on the coding strand, the reverse complement: DOCK7 is on the minus strand). VCF-style (leftmost placement, unchanged base first): chr1-62586581-GA-G. GRCh37 (hg19) VCF-style: chr1-63052252-GA-G.
Other names: c.1725del, p.Arg576fs (NM_001271999.2, NM_001272000.2, NM_001272001.2 and 3 more transcripts); short protein forms R576fs.
Identifiers: ClinVar variation 1423192 (VCV001423192.6), dbSNP rs2149499164, ClinGen allele CA2573132527.
Genomic context (GRCh38, chr1:62,586,581, plus strand): 5'-TTGGATCCTCTCCATACATAAACTGGACTTTCACTGTTATATTTCTAGCAGAACCTTGAC[GA>G]TTGGCAAAATTAAGACTCTGAGGGTATATGTAGAGAAGATTTCTGTGAAAGCAACAGTAT-3'